The following is an entry in ClinVar:

ClinVar aggregate classification (germline): Conflicting classifications of pathogenicity. Review status: criteria provided, conflicting classifications (1 of 4 stars). 7 submissions from 7 submitters: Uncertain significance (3); Benign (1); Likely benign (2). 1 of the submissions does not count toward it. Last evaluated 2025-09-30.

Conditions:
LBR-related disorder. Also called: LBR-related condition; LBR-related disorders.
Greenberg dysplasia (GRBGD). Also called: HEM SKELETAL DYSPLASIA; MOTH-EATEN SKELETAL DYSPLASIA; CHONDRODYSTROPHY, HYDROPIC AND PRENATALLY LETHAL TYPE. Identifiers: Orphanet 1426, MedGen C2931048, MONDO:0008974, OMIM 215140.

Allele frequency attached by ClinVar (database versions not stated): gnomAD exomes 0.00018 and 0.00042; ExAC 0.00077; gnomAD 0.00158 and 0.00171; 1000 Genomes Project 0.00180; ESP Exome Variant Server 0.00185; TOPMed 0.00197; 1000 Genomes Project 30x 0.00219.
gnomAD v4.1: 506 of 1,594,924 alleles (0.032%); highest among the groups gnomAD compares: African/African-American, 0.6%; 1 homozygote.

Submissions (7):

Labcorp Genetics (formerly Invitae), Labcorp
Classification: Benign. Last evaluated: 2025-09-30. Review status: criteria provided, single submitter. Criteria: Invitae Variant Classification Sherloc (09022015). Collection method: clinical testing. Allele origin: germline.

GeneDx
Classification: Uncertain significance. Last evaluated: 2025-09-17. Review status: criteria provided, single submitter. Criteria: GeneDx Variant Classification Process June 2021. Collection method: clinical testing. Allele origin: germline. Affected: yes.
Comment: In silico analysis supports that this missense variant has a deleterious effect on protein structure/function; Reported in an individual with Opitz G/BBB; the proband also harbored variants in other genes (PMID: 31847883); This variant is associated with the following publications: (PMID: 31847883)

ARUP Laboratories, Molecular Genetics and Genomics, ARUP Laboratories
Classification: Uncertain significance. Last evaluated: 2024-10-16. Review status: criteria provided, single submitter. Criteria: ARUP Molecular Germline Variant Investigation Process 2024. Collection method: clinical testing. Allele origin: germline.
Comment: The LBR c.866G>A; p.Gly289Glu variant (rs148541545), to our knowledge, is not reported in the medical literature but is reported in ClinVar (Variation ID: 218605). This variant is found predominantly in the African/African-American population with an allele frequency of 0.55% (130/23638 alleles) in the Genome Aggregation Database (v2.1.1). Computational analyses predict that this variant is deleterious (REVEL: 0.885). Due to limited information, the clinical significance of the p.Gly289Glu variant is uncertain at this time.

Blueprint Genetics
Classification: Likely benign. Last evaluated: 2024-09-23. Review status: criteria provided, single submitter. Criteria: ACMG Guidelines, 2015. Collection method: clinical testing. Allele origin: germline.

Illumina Laboratory Services, Illumina
Classification: Likely benign for Greenberg dysplasia. Last evaluated: 2018-01-13. Review status: criteria provided, single submitter. Criteria: ICSL Variant Classification Criteria 13 December 2019. Collection method: clinical testing. Allele origin: germline.
Comment: This variant was observed in the ICSL laboratory as part of a predisposition screen in an ostensibly healthy population. It had not been previously curated by ICSL or reported in the Human Gene Mutation Database (HGMD: prior to June 1st, 2018), and was therefore a candidate for classification through an automated scoring system. Utilizing variant allele frequency, disease prevalence and penetrance estimates, and inheritance mode, an automated score was calculated to assess if this variant is too frequent to cause the disease. Based on the score and internal cut-off values, a variant classified as likely benign is not then subjected to further curation. The score for this variant resulted in a classification of likely benign for this disease.

Genomic Diagnostic Laboratory, Division of Genomic Diagnostics, Children's Hospital of Philadelphia
Classification: Uncertain significance. Last evaluated: 2015-06-08. Review status: criteria provided, single submitter. Criteria: DGD Variant Analysis Guidelines. Collection method: clinical testing. Allele origin: unknown.

PreventionGenetics, part of Exact Sciences
Classification: Likely benign for LBR-related condition. Last evaluated: 2021-07-15. Review status: no assertion criteria provided. Collection method: clinical testing. Allele origin: germline. Not counted in ClinVar's aggregate classification.
Comment: This variant is classified as likely benign based on ACMG/AMP sequence variant interpretation guidelines (Richards et al. 2015 PMID: 25741868, with internal and published modifications).

NM_002296.4(LBR):c.866G>A (p.Gly289Glu)

Gene: LBR (lamin B receptor; minus strand). Cytogenetic location: 1q42.12.
Variant type: single nucleotide variant.
Coding change: c.866G>A on transcript NM_002296.4 (MANE Select); coding-DNA position 866, G replaced by A.
Protein change: p.Gly289Glu; replaces glycine 289 with glutamic acid.
Molecular consequence: missense variant.
Genome position (GRCh38, 1-based): chr1:225,415,304, C>T on the plus strand (G>A on the coding strand, the complement: LBR is on the minus strand). VCF-style: chr1-225415304-C-T. GRCh37 (hg19) VCF-style: chr1-225603006-C-T.
Other names: c.866G>A, p.Gly289Glu (NM_194442.3); short protein forms G289E.
Identifiers: ClinVar variation 218605 (VCV000218605.30), dbSNP rs148541545, ClinGen allele CA249056.